The following is an entry in ClinVar:

ClinVar aggregate classification (germline): Uncertain significance (1 of 4 stars; one submission).

Conditions:
Hypertrophic cardiomyopathy 26. Also called: Cardiomyopathy, familial hypertrophic, 26. Identifiers: Orphanet 75249, MedGen C4310749, MONDO:0014883, OMIM 617047.
Myofibrillar myopathy 5. Also called: Filaminopathy (type); FILAMINOPATHY, AUTOSOMAL DOMINANT. Identifiers: Orphanet 171445, MedGen C1836050, MONDO:0012289, OMIM 609524.
Distal myopathy with posterior leg and anterior hand involvement. Also called: WILLIAMS DISTAL MYOPATHY. Identifiers: Orphanet 63273, MedGen C3279722, MONDO:0013550, OMIM 614065.

Submission:

Labcorp Genetics (formerly Invitae), Labcorp
Classification: Uncertain significance for Distal myopathy with posterior leg and anterior hand involvement; Myofibrillar myopathy 5; Hypertrophic cardiomyopathy 26. Last evaluated: 2025-08-26. Review status: criteria provided, single submitter. Criteria: Invitae Variant Classification Sherloc (09022015). Collection method: clinical testing. Allele origin: germline.
Comment: This sequence change replaces glutamine, which is neutral and polar, with proline, which is neutral and non-polar, at codon 294 of the FLNC protein (p.Gln294Pro). This variant is not present in population databases (gnomAD no frequency). This variant has not been reported in the literature in individuals affected with FLNC-related conditions. Invitae Evidence Modeling of protein sequence and biophysical properties (such as structural, functional, and spatial information, amino acid conservation, physicochemical variation, residue mobility, and thermodynamic stability) has been performed for this missense variant. However, the output from this modeling did not meet the statistical confidence thresholds required to predict the impact of this variant on FLNC protein function. In summary, the available evidence is currently insufficient to determine the role of this variant in disease. Therefore, it has been classified as a Variant of Uncertain Significance.

NM_001458.5(FLNC):c.881A>C (p.Gln294Pro)

Gene: FLNC (filamin C; plus strand). Cytogenetic location: 7q32.1.
Variant type: single nucleotide variant.
Coding change: c.881A>C on transcript NM_001458.5 (MANE Select); coding-DNA position 881, A replaced by C.
Protein change: p.Gln294Pro; replaces glutamine 294 with proline.
Molecular consequence: missense variant.
Genome position (GRCh38, 1-based): chr7:128,837,667, A>C. VCF-style: chr7-128837667-A-C. GRCh37 (hg19) VCF-style: chr7-128477721-A-C.
Other names: c.881A>C, p.Gln294Pro (NM_001127487.2); short protein forms Q294P.
Identifiers: ClinVar variation 4812502 (VCV004812502.1).